The following is an entry in ClinVar:

NM_001429.4(EP300):c.3450A>T (p.Glu1150Asp)

Gene: EP300 (EP300 lysine acetyltransferase; plus strand). Cytogenetic location: 22q13.2.
Variant type: single nucleotide variant.
Coding change: c.3450A>T on transcript NM_001429.4 (MANE Select); coding-DNA position 3450, A replaced by T.
Protein change: p.Glu1150Asp; replaces glutamic acid 1150 with aspartic acid.
Molecular consequence: missense variant.
Genome position (GRCh38, 1-based): chr22:41,157,357, A>T. VCF-style: chr22-41157357-A-T. GRCh37 (hg19) VCF-style: chr22-41553361-A-T.
Other names: c.3372A>T, p.Glu1124Asp (NM_001362843.2); short protein forms E1124D, E1150D.
Identifiers: ClinVar variation 3363543 (VCV003363543.3).

ClinVar aggregate classification (germline): Uncertain significance. Review status: criteria provided, multiple submitters, no conflicts (2 of 4 stars). 3 submissions from 3 submitters: Uncertain significance (3). Last evaluated 2026-03-10.

Conditions:
EP300-related disorder. Also called: EP300-related condition; EP300-related disorders.

Submissions (3):

PreventionGenetics, part of Exact Sciences
Classification: Uncertain significance for EP300-related condition. Last evaluated: 2026-03-10. Review status: criteria provided, single submitter. Criteria: ACMG Guidelines, 2015. Collection method: clinical testing. Allele origin: germline.
Comment: The EP300 c.3450A>T variant is predicted to result in the amino acid substitution p.Glu1150Asp. To our knowledge, this variant has not been reported in the literature or in a large population database (gnomAD), indicating this variant is rare. At this time, the clinical significance of this variant is uncertain due to the absence of conclusive functional and genetic evidence.

Blueprint Genetics
Classification: Uncertain significance. Last evaluated: 2023-11-30. Review status: criteria provided, single submitter. Criteria: ACMG Guidelines, 2015. Collection method: clinical testing. Allele origin: germline.

GeneDx
Classification: Uncertain significance. Last evaluated: 2023-10-30. Review status: criteria provided, single submitter. Criteria: GeneDx Variant Classification Process June 2021. Collection method: clinical testing. Allele origin: germline. Affected: yes.
Comment: Not observed at significant frequency in large population cohorts (gnomAD); In silico analysis supports that this missense variant has a deleterious effect on protein structure/function; Has not been previously published as pathogenic or benign to our knowledge